The following is an entry in ClinVar:

ClinVar aggregate classification (germline): Uncertain significance (1 of 4 stars; one submission).

Submission:

Ambry Genetics
Classification: Uncertain significance. Last evaluated: 2024-03-09. Review status: criteria provided, single submitter. Criteria: Ambry Variant Classification Scheme 2023. Collection method: clinical testing. Allele origin: germline.
Comment: The p.Q156K variant (also known as c.466C>A), located in coding exon 6 of the NPAT gene, results from a C to A substitution at nucleotide position 466. The glutamine at codon 156 is replaced by lysine, an amino acid with similar properties. This amino acid position is conserved. In addition, this alteration is predicted to be tolerated by in silico analysis. Based on the available evidence, the clinical significance of this alteration remains unclear.

NM_002519.3(NPAT):c.466C>A (p.Gln156Lys)

Gene: NPAT (nuclear protein, coactivator of histone transcription; minus strand). Cytogenetic location: 11q22.3.
Variant type: single nucleotide variant.
Coding change: c.466C>A on transcript NM_002519.3 (MANE Select); coding-DNA position 466, C replaced by A.
Protein change: p.Gln156Lys; replaces glutamine 156 with lysine.
Molecular consequence: missense variant.
Genome position (GRCh38, 1-based): chr11:108,189,196, G>T on the plus strand (C>A on the coding strand, the complement: NPAT is on the minus strand). VCF-style: chr11-108189196-G-T. GRCh37 (hg19) VCF-style: chr11-108059923-G-T.
Other names: c.466C>A, p.Gln156Lys (NM_001321307.1); short protein forms Q156K.
Identifiers: ClinVar variation 3222633 (VCV003222633.1), dbSNP rs2078138876, ClinGen allele CA382524585.